The following is an entry in ClinVar:

ClinVar aggregate classification (germline): Conflicting classifications of pathogenicity. Review status: criteria provided, conflicting classifications (1 of 4 stars). 7 submissions from 7 submitters: Uncertain significance (1); Likely benign (4). 2 of the submissions do not count toward it. Last evaluated 2026-02-04.

Conditions:
Finnish congenital nephrotic syndrome (NPHS1). Also called: NEPHROTIC SYNDROME, TYPE 1. Identifiers: Orphanet 839, MedGen C0403399, MONDO:0009732, OMIM 256300.
NPHS1-related disorder. Also called: NPHS1-related condition.

Allele frequency attached by ClinVar (database versions not stated): gnomAD exomes 0.00010 and 0.00030; ExAC 0.00037; TOPMed 0.00107; 1000 Genomes Project 30x 0.00219; 1000 Genomes Project 0.00220; gnomAD 0.00090 and 0.00091; ESP Exome Variant Server 0.00100.

Submissions (7):

Labcorp Genetics (formerly Invitae), Labcorp
Classification: Likely benign. Last evaluated: 2026-02-04. Review status: criteria provided, single submitter. Criteria: Invitae Variant Classification Sherloc (09022015). Collection method: clinical testing. Allele origin: germline.

CeGaT Center for Human Genetics Tuebingen
Classification: Likely benign. Last evaluated: 2025-11-01. Review status: criteria provided, single submitter. Criteria: CeGaT Center For Human Genetics Tuebingen Variant Classification Criteria Version 2. Collection method: clinical testing. Allele origin: germline. Affected: yes. Observed: 2 variant alleles.
Comment: NPHS1: BP4

Mayo Clinic Laboratories, Mayo Clinic
Classification: Likely benign. Last evaluated: 2025-06-20. Review status: criteria provided, single submitter. Criteria: ACMG Guidelines, 2015. Collection method: clinical testing. Allele origin: germline. Observed: 1 variant allele.
Comment: BS1, BP4_moderate

Blueprint Genetics
Classification: Likely benign. Last evaluated: 2024-09-23. Review status: criteria provided, single submitter. Criteria: ACMG Guidelines, 2015. Collection method: clinical testing. Allele origin: germline.

GeneDx
Classification: Uncertain significance. Last evaluated: 2019-10-15. Review status: criteria provided, single submitter. Criteria: GeneDx Variant Classification Process June 2021. Collection method: clinical testing. Allele origin: germline. Affected: yes.
Comment: In silico analysis, which includes protein predictors and evolutionary conservation, supports that this variant does not alter protein structure/function; Has not been previously published as pathogenic or benign to our knowledge.

PreventionGenetics, part of Exact Sciences
Classification: Likely benign for NPHS1-related condition. Last evaluated: 2023-09-21. Review status: no assertion criteria provided. Collection method: clinical testing. Allele origin: germline. Not counted in ClinVar's aggregate classification.
Comment: This variant is classified as likely benign based on ACMG/AMP sequence variant interpretation guidelines (Richards et al. 2015 PMID: 25741868, with internal and published modifications).

Natera, Inc.
Classification: Uncertain significance for Finnish congenital nephrotic syndrome. Last evaluated: 2020-01-06. Review status: no assertion criteria provided. Collection method: clinical testing. Allele origin: germline. Not counted in ClinVar's aggregate classification.

Literature cited by the submitters: PubMed 31308072 (cited by Mayo Clinic Laboratories, Mayo Clinic).

NM_004646.4(NPHS1):c.1151T>C (p.Met384Thr)

Gene: NPHS1 (NPHS1 adhesion molecule, nephrin; minus strand). Cytogenetic location: 19q13.12.
Variant type: single nucleotide variant.
Coding change: c.1151T>C on transcript NM_004646.4 (MANE Select); coding-DNA position 1151, T replaced by C.
Protein change: p.Met384Thr; replaces methionine 384 with threonine.
Molecular consequence: missense variant.
Genome position (GRCh38, 1-based): chr19:35,848,656, A>G on the plus strand (T>C on the coding strand, the complement: NPHS1 is on the minus strand). VCF-style: chr19-35848656-A-G. GRCh37 (hg19) VCF-style: chr19-36339558-A-G.
Other names: p.Met384Thr; short protein forms M384T.
Identifiers: ClinVar variation 730355 (VCV000730355.28), dbSNP rs114112112, ClinGen allele CA9390540.